The following is an entry in ClinVar:

ClinVar aggregate classification (germline): Uncertain significance (1 of 4 stars; one submission).

Submission:

Labcorp Genetics (formerly Invitae), Labcorp
Classification: Uncertain significance. Last evaluated: 2025-10-27. Review status: criteria provided, single submitter. Criteria: Invitae Variant Classification Sherloc (09022015). Collection method: clinical testing. Allele origin: germline.
Comment: This sequence change replaces aspartic acid, which is acidic and polar, with asparagine, which is neutral and polar, at codon 279 of the ZBTB20 protein (p.Asp279Asn). This variant is not present in population databases (gnomAD no frequency). This variant has not been reported in the literature in individuals affected with ZBTB20-related conditions. ClinVar contains an entry for this variant (Variation ID: 3687388). Invitae Evidence Modeling of protein sequence and biophysical properties (such as structural, functional, and spatial information, amino acid conservation, physicochemical variation, residue mobility, and thermodynamic stability) indicates that this missense variant is not expected to disrupt ZBTB20 protein function with a negative predictive value of 95%. In summary, the available evidence is currently insufficient to determine the role of this variant in disease. Therefore, it has been classified as a Variant of Uncertain Significance.

NM_001348800.3(ZBTB20):c.835G>A (p.Asp279Asn)

Gene: ZBTB20 (zinc finger and BTB domain containing 20; minus strand). Cytogenetic location: 3q13.31.
Variant type: single nucleotide variant.
Coding change: c.835G>A on transcript NM_001348800.3 (MANE Select); coding-DNA position 835, G replaced by A.
Protein change: p.Asp279Asn; replaces aspartic acid 279 with asparagine.
Molecular consequence: missense variant.
Genome position (GRCh38, 1-based): chr3:114,351,243, C>T on the plus strand (G>A on the coding strand, the complement: ZBTB20 is on the minus strand). VCF-style: chr3-114351243-C-T. GRCh37 (hg19) VCF-style: chr3-114070090-C-T.
Other names: c.835G>A, p.Asp279Asn (NM_001164342.2, NM_001348803.3, NM_001393393.1 and 1 more transcripts); c.616G>A, p.Asp206Asn (NM_001164343.2, NM_001164344.4, NM_001164345.4 and 9 more transcripts); short protein forms D279N, D206N.
Identifiers: ClinVar variation 3687388 (VCV003687388.2).